The following is an entry in ClinVar:

NM_000094.4(COL7A1):c.6759_6760del (p.Gly2254fs)

Gene: COL7A1 (collagen type VII alpha 1 chain; minus strand). Cytogenetic location: 3p21.31.
Variant type: Deletion.
Coding change: c.6759_6760del on transcript NM_000094.4 (MANE Select); coding-DNA positions 6759 to 6760, 2 bases deleted (AG; older notation c.6759_6760delAG).
Protein change: p.Gly2254fs; shifts the reading frame from glycine 2254.
Molecular consequence: frameshift variant.
Genome position (GRCh38, 1-based): chr3:48,572,933-48,572,934, CT deleted on the plus strand (AG on the coding strand, the reverse complement: COL7A1 is on the minus strand). VCF-style (leftmost placement, unchanged base first): chr3-48572932-CCT-C. GRCh37 (hg19) VCF-style: chr3-48610365-CCT-C.
Other names: short protein forms G2254fs.
Identifiers: ClinVar variation 1705525 (VCV001705525.3), dbSNP rs2530913503, ClinGen allele CA2580069935.

ClinVar aggregate classification (germline): Pathogenic. Review status: criteria provided, multiple submitters, no conflicts (2 of 4 stars). 2 submissions from 2 submitters: Pathogenic (2). Last evaluated 2025-07-16.

Conditions:
COL7A1-related disorder. Also called: COL7A1-related condition; COL7A1- related disorders.
Recessive dystrophic epidermolysis bullosa (RDEB). Also called: DYSTROPHIC EPIDERMOLYSIS BULLOSA, AUTOSOMAL RECESSIVE; EPIDERMOLYSIS BULLOSA DYSTROPHICA, HALLOPEAU-SIEMENS TYPE; severe generalized recessive dystrophic epidermolysis bullosa; Epidermolysis Bullosa Distrophica Autosomal Recessive (RDEB); Hallopeau-Siemens Disease; EPIDERMOLYSIS BULLOSA DYSTROPHICA, GENERALIZED SEVERE, AUTOSOMAL RECESSIVE. Identifiers: Orphanet 79408, Orphanet 79409, MedGen C0079474, MONDO:0009179, OMIM 226600.

Submissions (2):

3billion
Classification: Pathogenic for COL7A1-related disorder. Last evaluated: 2025-07-16. Review status: criteria provided, single submitter. Criteria: ACMG Guidelines, 2015. Collection method: clinical testing. Allele origin: germline. Affected: yes.
Comment: The variant is not observed in the gnomAD v4.1.0 dataset. Predicted Consequence/Location: Frameshift: predicted to result in a loss or disruption of normal protein function through nonsense-mediated decay (NMD) or protein truncation. Multiple pathogenic variants are reported downstream of the variant. The variant has been reported to be associated with COL7A1-related disorder (ClinVar ID: VCV001705525 /PMID: 27408687 /3billion dataset). Therefore, this variant is classified as Pathogenic according to the recommendation of ACMG/AMP guideline.

Myriad Genetics, Inc.
Classification: Pathogenic for Recessive dystrophic epidermolysis bullosa. Last evaluated: 2024-06-20. Review status: criteria provided, single submitter. Criteria: Myriad Autosomal Dominant, Autosomal Recessive and X-Linked Classification Criteria (2023). Collection method: clinical testing. Allele origin: unknown.
Comment: NM_000094.3(COL7A1):c.6759_6760delAG(G2254Efs*35) is expected to be pathogenic in the context of dystrophic epidermolysis bullosa. This variant is predicted to lead to an abnormal or absent protein product due to the creation of a premature termination codon in COL7A1, a gene where loss-of-function variants are known to be pathogenic. Please note: this variant was assessed in the context of healthy population screening.

Literature cited by the submitters: PubMed 27408687 (cited by 3billion).